The following is an entry in ClinVar:

NM_000268.4(NF2):c.320A>G (p.Glu107Gly)

Gene: NF2 (NF2, moesin-ezrin-radixin like (MERLIN) tumor suppressor; plus strand). Cytogenetic location: 22q12.2.
Variant type: single nucleotide variant.
Coding change: c.320A>G on transcript NM_000268.4 (MANE Select); coding-DNA position 320, A replaced by G.
Protein change: p.Glu107Gly; replaces glutamic acid 107 with glycine.
Molecular consequence: missense variant. On other transcripts: non-coding transcript variant (1), intron variant (3).
Genome position (GRCh38, 1-based): chr22:29,639,169, A>G. VCF-style: chr22-29639169-A-G. GRCh37 (hg19) VCF-style: chr22-30035158-A-G.
Other names: c.206A>G, p.Glu69Gly (NM_001407053.1, NM_001407056.1); c.194A>G, p.Glu65Gly (NM_001407055.1, NM_181828.3); c.320A>G, p.Glu107Gly (NM_001407057.1, NM_001407059.1, NM_001407060.1 and 5 more transcripts); c.-321A>G (NM_001407065.1); c.89A>G, p.Glu30Gly (NM_001407067.1); c.240+2293A>G (NM_181829.3); c.115-3033A>G (NM_181830.3, NM_181831.3); short protein forms E107G, E65G, E69G, E30G.
Identifiers: ClinVar variation 1728903 (VCV001728903.2), dbSNP rs2518437716, ClinGen allele CA411153299.

ClinVar aggregate classification (germline): Uncertain significance (1 of 4 stars; one submission).

Conditions:
Hereditary cancer-predisposing syndrome. Also called: Tumor predisposition; Neoplastic Syndromes, Hereditary; Hereditary Cancer Syndrome; Hereditary neoplastic syndrome. Identifiers: Orphanet 140162, MedGen C0027672, MeSH D009386, MONDO:0015356.

Submission:

Ambry Genetics
Classification: Uncertain significance for Hereditary cancer-predisposing syndrome. Last evaluated: 2022-05-03. Review status: criteria provided, single submitter. Criteria: Ambry Variant Classification Scheme 2023. Collection method: clinical testing. Allele origin: germline.
Comment: The p.E107G variant (also known as c.320A>G), located in coding exon 3 of the NF2 gene, results from an A to G substitution at nucleotide position 320. The glutamic acid at codon 107 is replaced by glycine, an amino acid with similar properties. This amino acid position is conserved. In addition, this alteration is predicted to be deleterious by in silico analysis. Since supporting evidence is limited at this time, the clinical significance of this alteration remains unclear.